The following is an entry in ClinVar:

NM_025179.4(PLXNA2):c.5309G>C (p.Cys1770Ser)

Gene: PLXNA2 (plexin A2; minus strand). Cytogenetic location: 1q32.2.
Variant type: single nucleotide variant.
Coding change: c.5309G>C on transcript NM_025179.4 (MANE Select); coding-DNA position 5309, G replaced by C.
Protein change: p.Cys1770Ser; replaces cysteine 1770 with serine.
Molecular consequence: missense variant.
Genome position (GRCh38, 1-based): chr1:208,028,959, C>G on the plus strand (G>C on the coding strand, the complement: PLXNA2 is on the minus strand). VCF-style: chr1-208028959-C-G. GRCh37 (hg19) VCF-style: chr1-208202304-C-G.
Other names: short protein forms C1770S.
Identifiers: ClinVar variation 3345010 (VCV003345010.1).

ClinVar aggregate classification (germline): Uncertain significance (0 of 4 stars; one submission).

Conditions:
PLXNA2-related disorder. Also called: PLXNA2-related condition.

gnomAD v4.1: 1 of 1,614,034 alleles (0.000062%); highest among the groups gnomAD compares: African/African-American, 0.0013%; no homozygotes.

Submission:

PreventionGenetics, part of Exact Sciences
Classification: Uncertain significance for PLXNA2-related condition. Last evaluated: 2024-05-17. Review status: no assertion criteria provided. Collection method: clinical testing. Allele origin: germline.
Comment: The PLXNA2 c.5309G>C variant is predicted to result in the amino acid substitution p.Cys1770Ser. To our knowledge, this variant has not been reported in the literature or in gnomAD, indicating this variant is rare. At this time, the clinical significance of this variant is uncertain due to the absence of conclusive functional and genetic evidence.